The following is an entry in ClinVar:

ClinVar aggregate classification (germline): Pathogenic/Likely pathogenic. Review status: criteria provided, multiple submitters, no conflicts (2 of 4 stars). 4 submissions from 4 submitters: Pathogenic (3); Likely pathogenic (1). Last evaluated 2026-01-27.

Conditions:
Rare isolated myopia. Identifiers: Orphanet 98619, MedGen C4751232.
LEPREL1 & P3H2-related disorders.

Allele frequency attached by ClinVar (database versions not stated): TOPMed 0.00005; gnomAD 0.00006 and 0.00007; ESP Exome Variant Server 0.00008.
gnomAD v4.1: 258 of 1,613,850 alleles (0.016%); highest among the groups gnomAD compares: Non-Finnish European, 0.02%; no homozygotes.

Submissions (4):

Labcorp Genetics (formerly Invitae), Labcorp
Classification: Pathogenic. Last evaluated: 2026-01-27. Review status: criteria provided, single submitter. Criteria: Invitae Variant Classification Sherloc (09022015). Collection method: clinical testing. Allele origin: germline.
Comment: This sequence change creates a premature translational stop signal (p.Arg318*) in the P3H2 gene. It is expected to result in an absent or disrupted protein product. Loss-of-function variants in P3H2 are known to be pathogenic (PMID: 24172257, 25469533). This variant is present in population databases (rs200083855, gnomAD 0.03%). This variant has not been reported in the literature in individuals affected with P3H2-related conditions. ClinVar contains an entry for this variant (Variation ID: 1449634). For these reasons, this variant has been classified as Pathogenic.

GeneDx
Classification: Pathogenic. Last evaluated: 2026-01-21. Review status: criteria provided, single submitter. Criteria: GeneDx Variant Classification Process June 2021. Collection method: clinical testing. Allele origin: germline.
Comment: Nonsense variant predicted to result in protein truncation or nonsense mediated decay in a gene for which loss of function is a known mechanism of disease; Has not been previously published as pathogenic or benign to our knowledge

Blueprint Genetics
Classification: Likely pathogenic for LEPREL1 & P3H2-related disorders. Last evaluated: 2024-11-20. Review status: criteria provided, single submitter. Criteria: ACMG Guidelines, 2015. Collection method: clinical testing. Allele origin: germline. Affected: yes. Observed: 5 variant alleles.

DBGen Ocular Genomics
Classification: Pathogenic for Rare isolated myopia. Last evaluated: 2022-01-01. Review status: criteria provided, single submitter. Criteria: ACMG Guidelines, 2015. Collection method: clinical testing. Allele origin: unknown. Inheritance: Autosomal recessive inheritance. Affected: yes.
Comment: Class 5 ACMG Guidelines, 2015 (PMID:25741868)

Literature cited by the submitters: PubMed 24172257 (cited by Labcorp Genetics (formerly Invitae), Labcorp); PubMed 25469533 (cited by Labcorp Genetics (formerly Invitae), Labcorp).

NM_018192.4(P3H2):c.952C>T (p.Arg318Ter)

Gene: P3H2 (prolyl 3-hydroxylase 2; minus strand). Cytogenetic location: 3q28.
Variant type: single nucleotide variant.
Coding change: c.952C>T on transcript NM_018192.4 (MANE Select); coding-DNA position 952, C replaced by T.
Protein change: p.Arg318Ter; replaces arginine 318 with a stop codon.
Molecular consequence: nonsense.
Genome position (GRCh38, 1-based): chr3:189,988,910, G>A on the plus strand (C>T on the coding strand, the complement: P3H2 is on the minus strand). VCF-style: chr3-189988910-G-A. GRCh37 (hg19) VCF-style: chr3-189706699-G-A.
Other names: c.952C>T (NM_018192.3); c.409C>T, p.Arg137Ter (NM_001134418.2); short protein forms R137*, R318*.
Identifiers: ClinVar variation 1449634 (VCV001449634.9), dbSNP rs200083855, ClinGen allele CA2753172.